The following is an entry in ClinVar:

ClinVar aggregate classification (germline): Uncertain significance (1 of 4 stars; one submission).

Conditions:
Cohen syndrome (COH1). Also called: Cutis verticis gyrata, retinitis pigmentosa, and sensorineural deafness; PEPPER SYNDROME. Identifiers: Orphanet 193, MedGen C0265223, MONDO:0008999, OMIM 216550.

Submission:

Labcorp Genetics (formerly Invitae), Labcorp
Classification: Uncertain significance for Cohen syndrome. Last evaluated: 2021-04-19. Review status: criteria provided, single submitter. Criteria: Invitae Variant Classification Sherloc (09022015). Collection method: clinical testing. Allele origin: germline.
Comment: Algorithms developed to predict the effect of missense changes on protein structure and function output the following: SIFT: "Not Available"; PolyPhen-2: "Benign"; Align-GVGD: "Not Available". The glutamine amino acid residue is found in multiple mammalian species, suggesting that this missense change does not adversely affect protein function. These predictions have not been confirmed by published functional studies and their clinical significance is uncertain. In summary, the available evidence is currently insufficient to determine the role of this variant in disease. Therefore, it has been classified as a Variant of Uncertain Significance. This variant has not been reported in the literature in individuals with VPS13B-related conditions. This sequence change replaces histidine with glutamine at codon 2924 of the VPS13B protein (p.His2924Gln). The histidine residue is weakly conserved and there is a small physicochemical difference between histidine and glutamine. This variant is not present in population databases (ExAC no frequency).

NM_152564.5(VPS13B):c.8697C>A (p.His2899Gln)

Gene: VPS13B (vacuolar protein sorting 13 homolog B; plus strand). Cytogenetic location: 8q22.2.
Variant type: single nucleotide variant.
Coding change: c.8697C>A on transcript NM_152564.5 (MANE Select); coding-DNA position 8697, C replaced by A.
Protein change: p.His2899Gln; replaces histidine 2899 with glutamine.
Molecular consequence: missense variant.
Genome position (GRCh38, 1-based): chr8:99,819,487, C>A. VCF-style: chr8-99819487-C-A. GRCh37 (hg19) VCF-style: chr8-100831715-C-A.
Other names: c.8772C>A, p.His2924Gln (NM_017890.5); short protein forms H2899Q, H2924Q.
Identifiers: ClinVar variation 1346725 (VCV001346725.6), dbSNP rs375911218, ClinGen allele CA371776325.